The following is an entry in ClinVar:

NM_004994.3(MMP9):c.764G>C (p.Trp255Ser)

Gene: MMP9 (matrix metallopeptidase 9; plus strand). Cytogenetic location: 20q13.12.
Variant type: single nucleotide variant.
Coding change: c.764G>C on transcript NM_004994.3 (MANE Select); coding-DNA position 764, G replaced by C.
Protein change: p.Trp255Ser; replaces tryptophan 255 with serine.
Molecular consequence: missense variant.
Genome position (GRCh38, 1-based): chr20:46,011,257, G>C. VCF-style: chr20-46011257-G-C. GRCh37 (hg19) VCF-style: chr20-44639896-G-C.
Other names: short protein forms W255S.
Identifiers: ClinVar variation 4740468 (VCV004740468.1).

ClinVar aggregate classification (germline): Uncertain significance (1 of 4 stars; one submission).

Submission:

Labcorp Genetics (formerly Invitae), Labcorp
Classification: Uncertain significance. Last evaluated: 2025-05-06. Review status: criteria provided, single submitter. Criteria: Invitae Variant Classification Sherloc (09022015). Collection method: clinical testing. Allele origin: germline.
Comment: This sequence change replaces tryptophan, which is neutral and slightly polar, with serine, which is neutral and polar, at codon 255 of the MMP9 protein (p.Trp255Ser). This variant is not present in population databases (gnomAD no frequency). This variant has not been reported in the literature in individuals affected with MMP9-related conditions. Invitae Evidence Modeling of protein sequence and biophysical properties (such as structural, functional, and spatial information, amino acid conservation, physicochemical variation, residue mobility, and thermodynamic stability) indicates that this missense variant is expected to disrupt MMP9 protein function with a positive predictive value of 80%. In summary, the available evidence is currently insufficient to determine the role of this variant in disease. Therefore, it has been classified as a Variant of Uncertain Significance.